The following is an entry in ClinVar:

NM_032119.4(ADGRV1):c.2474A>T (p.Asn825Ile)

Gene: ADGRV1 (adhesion G protein-coupled receptor V1; plus strand). Cytogenetic location: 5q14.3.
Variant type: single nucleotide variant.
Coding change: c.2474A>T on transcript NM_032119.4 (MANE Select); coding-DNA position 2474, A replaced by T.
Protein change: p.Asn825Ile; replaces asparagine 825 with isoleucine.
Molecular consequence: missense variant. On other transcripts: non-coding transcript variant (1).
Genome position (GRCh38, 1-based): chr5:90,642,962, A>T. VCF-style: chr5-90642962-A-T. GRCh37 (hg19) VCF-style: chr5-89938779-A-T.
Other names: c.2474A>T (NM_032119.3); short protein forms N825I.
Identifiers: ClinVar variation 1369276 (VCV001369276.8), dbSNP rs374034519, ClinGen allele CA3338938.
Genomic context (GRCh38, chr5:90,642,962, plus strand): 5'-TTGTTAAGCAGTTTCTACACTACCGAGTAGAGCCAAGAGATAGCAATGAATTCTATGGAA[A>T]CACGGGAGTACTAGAATTTAAACCTGGAGAAAGGGAGATAGTGATCACCTTGCTAGCAAG-3'
Protein context (NP_115495.3, residues 815-835): EPRDSNEFYG[Asn825Ile]TGVLEFKPGE

ClinVar aggregate classification (germline): Conflicting classifications of pathogenicity. Review status: criteria provided, conflicting classifications (1 of 4 stars). 4 submissions from 4 submitters: Uncertain significance (3); Likely benign (1). Last evaluated 2025-12-06.

Conditions:
ADGRV1-related disorder. Also called: ADGRV1-related disorders; ADGRV1-related condition.
Inborn genetic diseases. Identifiers: MedGen C0950123, MeSH D030342.

Allele frequency attached by ClinVar (database versions not stated): gnomAD 0.00003 and 0.00004; TOPMed 0.00003; ESP Exome Variant Server 0.00017.
gnomAD v4.1: 68 of 1,613,546 alleles (0.0042%); highest among the groups gnomAD compares: Non-Finnish European, 0.0056%; no homozygotes.

Submissions (4):

Labcorp Genetics (formerly Invitae), Labcorp
Classification: Likely benign. Last evaluated: 2025-12-06. Review status: criteria provided, single submitter. Criteria: Invitae Variant Classification Sherloc (09022015). Collection method: clinical testing. Allele origin: germline.

Blueprint Genetics
Classification: Uncertain significance. Last evaluated: 2023-08-07. Review status: criteria provided, single submitter. Criteria: ACMG Guidelines, 2015. Collection method: clinical testing. Allele origin: germline.

Ambry Genetics
Classification: Uncertain significance for Inborn genetic diseases. Last evaluated: 2023-03-06. Review status: criteria provided, single submitter. Criteria: Ambry Variant Classification Scheme 2023. Collection method: clinical testing. Allele origin: germline.

PreventionGenetics, part of Exact Sciences
Classification: Uncertain significance for ADGRV1-related condition. Last evaluated: 2022-09-21. Review status: criteria provided, single submitter. Criteria: ACMG Guidelines, 2015. Collection method: clinical testing. Allele origin: germline.
Comment: The ADGRV1 c.2474A>T variant is predicted to result in the amino acid substitution p.Asn825Ile. To our knowledge, this variant has not been reported in the literature. This variant is reported in 0.0047% of alleles in individuals of European (Non-Finnish) descent in gnomAD. At this time, the clinical significance of this variant is uncertain due to the absence of conclusive functional and genetic evidence.